The following is an entry in ClinVar:

ClinVar aggregate classification (germline): Uncertain significance (1 of 4 stars; one submission).

gnomAD v4.1: 10 of 1,613,378 alleles (0.00062%); highest among the groups gnomAD compares: South Asian, 0.0011%; no homozygotes.

Submission:

GeneDx
Classification: Uncertain significance. Last evaluated: 2023-06-04. Review status: criteria provided, single submitter. Criteria: GeneDx Variant Classification Process June 2021. Collection method: clinical testing. Allele origin: germline. Affected: yes.
Comment: In silico analysis supports that this missense variant has a deleterious effect on protein structure/function; Has not been previously published as pathogenic or benign to our knowledge

NM_001282933.2(ZNF341):c.1823A>G (p.Tyr608Cys)

Gene: ZNF341 (zinc finger protein 341; plus strand). Cytogenetic location: 20q11.22.
Variant type: single nucleotide variant.
Coding change: c.1823A>G on transcript NM_001282933.2 (MANE Select); coding-DNA position 1823, A replaced by G.
Protein change: p.Tyr608Cys; replaces tyrosine 608 with cysteine.
Molecular consequence: missense variant. On other transcripts: non-coding transcript variant (1).
Genome position (GRCh38, 1-based): chr20:33,783,835, A>G. VCF-style: chr20-33783835-A-G. GRCh37 (hg19) VCF-style: chr20-32371641-A-G.
Other names: c.1553A>G, p.Tyr518Cys (NM_001282935.2); c.1802A>G, p.Tyr601Cys (NM_032819.5); short protein forms Y518C, Y601C, Y608C.
Identifiers: ClinVar variation 3362177 (VCV003362177.1).
Genomic context (GRCh38, chr20:33,783,835, plus strand): 5'-ACGGCAGCGGGGGCAGGTTCAAGTGCCAAGTGTGCAAGAAGTTCTTCCGGCGGGAGCATT[A>G]TCTCAAACTGCATGCTCACATCCACTCGGGTAGGTACCCTGCCCCTGAGAACTCCAGCCC-3'
Protein context (NP_001269862.1, residues 598-618): VCKKFFRREH[Tyr608Cys]LKLHAHIHSG